The following is an entry in ClinVar:

ClinVar aggregate classification (germline): Conflicting classifications of pathogenicity. Review status: criteria provided, conflicting classifications (1 of 4 stars). 3 submissions from 3 submitters: Pathogenic (1); Uncertain significance (2). Last evaluated 2025-10-02.

Conditions:
Perrault syndrome 2 (PRLTS2). Identifiers: Orphanet 2855, Orphanet 642976, MedGen C3554105, MONDO:0013972, OMIM 614926.

Allele frequency attached by ClinVar (database versions not stated): ExAC 0.00003; gnomAD exomes 0.00004 and 0.00010; gnomAD 0.00005; TOPMed 0.00006; ESP Exome Variant Server 0.00015.
gnomAD v4.1: 167 of 1,613,920 alleles (0.01%); highest among the groups gnomAD compares: Non-Finnish European, 0.012%; no homozygotes.

Submissions (3):

Labcorp Genetics (formerly Invitae), Labcorp
Classification: Pathogenic. Last evaluated: 2025-10-02. Review status: criteria provided, single submitter. Criteria: Invitae Variant Classification Sherloc (09022015). Collection method: clinical testing. Allele origin: germline.
Comment: This sequence change creates a premature translational stop signal (p.Leu42*) in the HARS2 gene. It is expected to result in an absent or disrupted protein product. Loss-of-function variants in HARS2 are known to be pathogenic (PMID: 31827252). This variant is present in population databases (rs146046742, gnomAD 0.008%). This variant has not been reported in the literature in individuals affected with HARS2-related conditions. ClinVar contains an entry for this variant (Variation ID: 1176814). For these reasons, this variant has been classified as Pathogenic.

CeGaT Center for Human Genetics Tuebingen
Classification: Uncertain significance. Last evaluated: 2024-03-01. Review status: criteria provided, single submitter. Criteria: CeGaT Center For Human Genetics Tuebingen Variant Classification Criteria Version 2. Collection method: clinical testing. Allele origin: germline. Affected: yes. Observed: 2 variant alleles.
Comment: HARS2: PM2:Supporting

Department of Pathology and Laboratory Medicine, Sinai Health System
Classification: Uncertain significance for Perrault syndrome 2. Last evaluated: 2022-11-29. Review status: criteria provided, single submitter. Criteria: ACMG Guidelines, 2015. Collection method: research. Allele origin: germline.

Literature cited by the submitters: PubMed 31827252 (cited by Labcorp Genetics (formerly Invitae), Labcorp).

NM_012208.4(HARS2):c.125T>G (p.Leu42Ter)

Gene: HARS2 (histidyl-tRNA synthetase 2, mitochondrial; plus strand). Cytogenetic location: 5q31.3.
Variant type: single nucleotide variant.
Coding change: c.125T>G on transcript NM_012208.4 (MANE Select); coding-DNA position 125, T replaced by G.
Protein change: p.Leu42Ter; replaces leucine 42 with a stop codon.
Molecular consequence: nonsense. On other transcripts: 5 prime UTR variant (2), intron variant (1).
Genome position (GRCh38, 1-based): chr5:140,693,607, T>G. VCF-style: chr5-140693607-T-G. GRCh37 (hg19) VCF-style: chr5-140073192-T-G.
Other names: c.-86T>G (NM_001278732.2, NM_001363536.2); c.143T>G, p.Leu48Ter (NM_001363535.2); c.109-328T>G (NM_001278731.2); short protein forms L42*, L48*.
Identifiers: ClinVar variation 1176814 (VCV001176814.41), dbSNP rs146046742, ClinGen allele CA3444308.